The following is an entry in ClinVar:

NM_001004334.4(GPR179):c.5926C>T (p.Arg1976Cys)

Gene: GPR179 (G protein-coupled receptor 179; minus strand). Cytogenetic location: 17q12.
Variant type: single nucleotide variant.
Coding change: c.5926C>T on transcript NM_001004334.4 (MANE Select); coding-DNA position 5926, C replaced by T.
Protein change: p.Arg1976Cys; replaces arginine 1976 with cysteine.
Molecular consequence: missense variant.
Genome position (GRCh38, 1-based): chr17:38,327,643, G>A on the plus strand (C>T on the coding strand, the complement: GPR179 is on the minus strand). VCF-style: chr17-38327643-G-A. GRCh37 (hg19) VCF-style: chr17-36483526-G-A.
Other names: short protein forms R1976C.
Identifiers: ClinVar variation 2062665 (VCV002062665.4), dbSNP rs778384540, ClinGen allele CA290103237.

ClinVar aggregate classification (germline): Uncertain significance (1 of 4 stars; one submission).

Allele frequency attached by ClinVar (database versions not stated): ExAC 0.00001; gnomAD exomes 0.00001.

Submission:

Labcorp Genetics (formerly Invitae), Labcorp
Classification: Uncertain significance. Last evaluated: 2022-07-24. Review status: criteria provided, single submitter. Criteria: Invitae Variant Classification Sherloc (09022015). Collection method: clinical testing. Allele origin: germline.
Comment: This sequence change replaces arginine, which is basic and polar, with cysteine, which is neutral and slightly polar, at codon 1976 of the GPR179 protein (p.Arg1976Cys). This variant is present in population databases (rs778384540, gnomAD 0.003%). This variant has not been reported in the literature in individuals affected with GPR179-related conditions. Algorithms developed to predict the effect of missense changes on protein structure and function output the following: SIFT: "Tolerated"; PolyPhen-2: "Benign"; Align-GVGD: "Class C0". The cysteine amino acid residue is found in multiple mammalian species, which suggests that this missense change does not adversely affect protein function. In summary, the available evidence is currently insufficient to determine the role of this variant in disease. Therefore, it has been classified as a Variant of Uncertain Significance.